The following is an entry in ClinVar:

ClinVar aggregate classification (germline): Uncertain significance (1 of 4 stars; one submission).

Submission:

Labcorp Genetics (formerly Invitae), Labcorp
Classification: Uncertain significance. Last evaluated: 2020-10-22. Review status: criteria provided, single submitter. Criteria: Invitae Variant Classification Sherloc (09022015). Collection method: clinical testing. Allele origin: germline.
Comment: In summary, the available evidence is currently insufficient to determine the role of this variant in disease. Therefore, it has been classified as a Variant of Uncertain Significance. The effect of this intronic deletion on splicing is unknown. Nucleotide substitutions within the consensus splice site are a relatively common cause of aberrant splicing (PMID: 17576681, 9536098). Algorithms developed to predict the effect of sequence changes on RNA splicing suggest that this variant may disrupt the consensus splice site, but this prediction has not been confirmed by published transcriptional studies. This variant has not been reported in the literature in individuals with FH-related conditions. This deletion falls in intron 2 of the FH gene. It does not directly change the encoded amino acid sequence of the FH protein. It involves most of intron 2 and affects a nucleotide within the consensus donor splice site of the intron.

Literature cited by the submitters: PubMed 17576681; PubMed 9536098.

NC_000001.10:g.(?_241677041)_(241680477_?)del

Gene: FH (fumarate hydratase; minus strand). Cytogenetic location: 1q43.
Variant type: Deletion.
Identifiers: ClinVar variation 1466499 (VCV001466499.42).